The following is an entry in ClinVar:

NM_014252.4(SLC25A15):c.866A>G (p.Tyr289Cys)

Gene: SLC25A15 (solute carrier family 25 member 15; plus strand). Cytogenetic location: 13q14.11.
Variant type: single nucleotide variant.
Coding change: c.866A>G on transcript NM_014252.4 (MANE Select); coding-DNA position 866, A replaced by G.
Protein change: p.Tyr289Cys; replaces tyrosine 289 with cysteine.
Molecular consequence: missense variant.
Genome position (GRCh38, 1-based): chr13:40,809,627, A>G. VCF-style: chr13-40809627-A-G. GRCh37 (hg19) VCF-style: chr13-41383763-A-G.
Other names: c.866A>G (NM_014252.3); short protein forms Y289C.
Identifiers: ClinVar variation 2066991 (VCV002066991.2), dbSNP rs201442495, ClinGen allele CA6959848.

ClinVar aggregate classification (germline): Uncertain significance. Review status: criteria provided, multiple submitters, no conflicts (2 of 4 stars). 2 submissions from 2 submitters: Uncertain significance (2). Last evaluated 2025-04-03.

Conditions:
Hyperornithinemia-hyperammonemia-homocitrullinuria syndrome (HHHS). Also called: Ornithine translocase deficiency; HHH SYNDROME. Identifiers: Orphanet 415, MedGen C0268540, MONDO:0009393, OMIM 238970.
Inborn genetic diseases. Identifiers: MedGen C0950123, MeSH D030342.

Allele frequency attached by ClinVar (database versions not stated): gnomAD 0.00001; TOPMed 0.00002; gnomAD exomes 0.00003; ExAC 0.00004; 1000 Genomes Project 30x 0.00016; 1000 Genomes Project 0.00020.
gnomAD v4.1: 21 of 1,613,006 alleles (0.0013%); highest among the groups gnomAD compares: Middle Eastern, 0.076%; no homozygotes.

Submissions (2):

Ambry Genetics
Classification: Uncertain significance for Inborn genetic diseases. Last evaluated: 2025-04-03. Review status: criteria provided, single submitter. Criteria: Ambry Variant Classification Scheme 2023. Collection method: clinical testing. Allele origin: germline.

Labcorp Genetics (formerly Invitae), Labcorp
Classification: Uncertain significance for Hyperornithinemia-hyperammonemia-homocitrullinuria syndrome. Last evaluated: 2022-04-24. Review status: criteria provided, single submitter. Criteria: Invitae Variant Classification Sherloc (09022015). Collection method: clinical testing. Allele origin: germline.
Comment: This sequence change replaces tyrosine, which is neutral and polar, with cysteine, which is neutral and slightly polar, at codon 289 of the SLC25A15 protein (p.Tyr289Cys). This variant is present in population databases (rs201442495, gnomAD 0.01%). This variant has not been reported in the literature in individuals affected with SLC25A15-related conditions. Algorithms developed to predict the effect of missense changes on protein structure and function are either unavailable or do not agree on the potential impact of this missense change (SIFT: "Tolerated"; PolyPhen-2: "Probably Damaging"; Align-GVGD: "Class C15"). In summary, the available evidence is currently insufficient to determine the role of this variant in disease. Therefore, it has been classified as a Variant of Uncertain Significance.